The following is an entry in ClinVar:

NM_000101.4(CYBA):c.18G>A (p.Trp6Ter)

Gene: CYBA (cytochrome b-245 alpha chain; minus strand). Cytogenetic location: 16q24.2.
Variant type: single nucleotide variant.
Coding change: c.18G>A on transcript NM_000101.4 (MANE Select); coding-DNA position 18, G replaced by A.
Protein change: p.Trp6Ter; replaces tryptophan 6 with a stop codon.
Molecular consequence: nonsense.
Genome position (GRCh38, 1-based): chr16:88,650,996, C>T on the plus strand (G>A on the coding strand, the complement: CYBA is on the minus strand). VCF-style: chr16-88650996-C-T. GRCh37 (hg19) VCF-style: chr16-88717404-C-T.
Other names: short protein forms W6*.
Identifiers: ClinVar variation 2817163 (VCV002817163.4), dbSNP rs2507541496, ClinGen allele CA397067838.

ClinVar aggregate classification (germline): Pathogenic. Review status: criteria provided, multiple submitters, no conflicts (2 of 4 stars). 2 submissions from 2 submitters: Pathogenic (2). Last evaluated 2024-08-06.

Conditions:
Granulomatous disease, chronic, autosomal recessive, cytochrome b-negative. Also called: Chronic granulomatous disease, autosomal, due to deficiency of CYBA; GRANULOMATOUS DISEASE, CHRONIC, AUTOSOMAL RECESSIVE, 4; CGD DUE TO DEFICIENCY OF THE ALPHA SUBUNIT OF CYTOCHROME b; CGD, AUTOSOMAL RECESSIVE CYTOCHROME b-NEGATIVE; CYBA DEFICIENCY. Identifiers: Orphanet 379, MedGen C1856255, MONDO:0009308, OMIM 233690.

gnomAD v4.1: 1 of 1,598,018 alleles (0.000063%); highest among the groups gnomAD compares: Non-Finnish European, 0.000085%; no homozygotes.

Submissions (2):

3billion
Classification: Pathogenic for Granulomatous disease, chronic, autosomal recessive, cytochrome b-negative. Last evaluated: 2024-08-06. Review status: criteria provided, single submitter. Criteria: ACMG Guidelines, 2015. Collection method: clinical testing. Allele origin: germline. Affected: yes.
Comment: The variant is observed at an extremely low frequency in the gnomAD v4.0.0 dataset (total allele frequency: <0.001%). Predicted Consequence/Location: Stop-gained (nonsense): predicted to result in a loss or disruption of normal protein function through nonsense-mediated decay (NMD) or protein truncation. Multiple pathogenic variants are reported downstream of the variant. The variant has been reported to be associated with CYBA-related disorder (ClinVar ID: VCV002817163). Therefore, this variant is classified as Pathogenic according to the recommendation of ACMG/AMP guideline.

Labcorp Genetics (formerly Invitae), Labcorp
Classification: Pathogenic for Granulomatous disease, chronic, autosomal recessive, cytochrome b-negative. Last evaluated: 2023-01-14. Review status: criteria provided, single submitter. Criteria: Invitae Variant Classification Sherloc (09022015). Collection method: clinical testing. Allele origin: germline.
Comment: For these reasons, this variant has been classified as Pathogenic. This variant has not been reported in the literature in individuals affected with CYBA-related conditions. This variant is not present in population databases (gnomAD no frequency). This sequence change creates a premature translational stop signal (p.Trp6*) in the CYBA gene. It is expected to result in an absent or disrupted protein product. Loss-of-function variants in CYBA are known to be pathogenic (PMID: 10910929, 20167518, 22876374).

Literature cited by the submitters: PubMed 10910929 (cited by Labcorp Genetics (formerly Invitae), Labcorp); PubMed 20167518 (cited by Labcorp Genetics (formerly Invitae), Labcorp); PubMed 22876374 (cited by Labcorp Genetics (formerly Invitae), Labcorp).